The following is an entry in ClinVar:

NM_006440.3(TXNRD2):c.-193C>T

Genes: TXNRD2 (thioredoxin reductase 2; minus strand), COMT (catechol-O-methyltransferase; plus strand), LOC130066962 (ATAC-STARR-seq lymphoblastoid silent region 13469; plus strand). Cytogenetic location: 22q11.21.
Variant type: single nucleotide variant.
Coding change: c.-193C>T on transcript NM_006440.3; 193 bases upstream of the start codon, C replaced by T.
Molecular consequence: intron variant (on NM_000754.4).
Genome position (GRCh38, 1-based): chr22:19,941,996, G>A on the plus strand (C>T on the coding strand, the complement: TXNRD2 is on the minus strand). VCF-style: chr22-19941996-G-A. GRCh37 (hg19) VCF-style: chr22-19929519-G-A.
Other names: c.-386+99G>A (NM_001362828.2); c.-92+99G>A (NM_000754.4).
Identifiers: ClinVar variation 678642 (VCV000678642.4), dbSNP rs45454096, ClinGen allele CA14955759.
Genomic context (GRCh38, chr22:19,941,996, plus strand): 5'-ATTCGGGGCGGGGGCCTTCAGACCTAGGGTGGAACACTGGGATAGGGTGTGGGGAATTCG[G>A]ACCGCTGTGAAGTGATCTGACGTTGGGTGGGAGTCTCCGGACTTGGGGTGGGGAATCTGG-3'

ClinVar aggregate classification (germline): Likely benign. Review status: criteria provided, multiple submitters, no conflicts (2 of 4 stars). 2 submissions from 2 submitters: Likely benign (2). Last evaluated 2018-06-14.

Allele frequency attached by ClinVar (database versions not stated): gnomAD 0.04145 and 0.03982; gnomAD exomes 0.03887; TOPMed 0.04305; 1000 Genomes Project 30x 0.05247; 1000 Genomes Project 0.05092.
gnomAD v4.1: 19,489 of 490,386 alleles (4%); highest among the groups gnomAD compares: South Asian, 9.1%; 466 homozygotes.

Submissions (2):

GeneDx
Classification: Likely benign. Last evaluated: 2018-06-14. Review status: criteria provided, single submitter. Criteria: GeneDx Variant Classification (06012015). Collection method: clinical testing. Allele origin: germline. Affected: yes.
Comment: This variant is considered likely benign or benign based on one or more of the following criteria: it is a conservative change, it occurs at a poorly conserved position in the protein, it is predicted to be benign by multiple in silico algorithms, and/or has population frequency not consistent with disease.

Breakthrough Genomics
Classification: Likely benign. Review status: criteria provided, single submitter. Criteria: ACMG Guidelines, 2015. Collection method: not provided. Allele origin: germline. Inheritance: Autosomal dominant inheritance. Affected: yes.